The following is an entry in ClinVar:

NM_020549.5(CHAT):c.1320C>A (p.Cys440Ter)

Gene: CHAT (choline O-acetyltransferase; plus strand). Cytogenetic location: 10q11.23.
Variant type: single nucleotide variant.
Coding change: c.1320C>A on transcript NM_020549.5 (MANE Select); coding-DNA position 1320, C replaced by A.
Protein change: p.Cys440Ter; replaces cysteine 440 with a stop codon.
Molecular consequence: nonsense.
Genome position (GRCh38, 1-based): chr10:49,648,545, C>A. VCF-style: chr10-49648545-C-A. GRCh37 (hg19) VCF-style: chr10-50856591-C-A.
Other names: c.966C>A, p.Cys322Ter (NM_001142929.2, NM_001142934.2, NM_020984.4 and 2 more transcripts); c.1074C>A, p.Cys358Ter (NM_001142933.2); short protein forms C322*, C358*, C440*.
Identifiers: ClinVar variation 4769778 (VCV004769778.1).

ClinVar aggregate classification (germline): Pathogenic (1 of 4 stars; one submission).

Conditions:
Familial infantile myasthenia (CMS6). Also called: Congenital myasthenic syndrome type 6; MYASTHENIC SYNDROME, PRESYNAPTIC, CONGENITAL, ASSOCIATED WITH EPISODIC APNEA; MYASTHENIC SYNDROME, CONGENITAL, 6, PRESYNAPTIC. Identifiers: Orphanet 590, MedGen C0393929, MONDO:0009689, OMIM 254210.

Submission:

Labcorp Genetics (formerly Invitae), Labcorp
Classification: Pathogenic for Familial infantile myasthenia. Last evaluated: 2025-03-22. Review status: criteria provided, single submitter. Criteria: Invitae Variant Classification Sherloc (09022015). Collection method: clinical testing. Allele origin: germline.
Comment: This sequence change creates a premature translational stop signal (p.Cys440*) in the CHAT gene. It is expected to result in an absent or disrupted protein product. Loss-of-function variants in CHAT are known to be pathogenic (PMID: 12548525, 21786365, 23292760). The frequency data for this variant in the population databases is considered unreliable, as metrics indicate poor data quality at this position in the gnomAD database. This variant has not been reported in the literature in individuals affected with CHAT-related conditions. For these reasons, this variant has been classified as Pathogenic.

Literature cited by the submitters: PubMed 12548525; PubMed 21786365; PubMed 23292760.